The following is an entry in ClinVar:

NM_020921.4(NIN):c.5763T>C (p.Pro1921=)

Gene: NIN (ninein; minus strand). Cytogenetic location: 14q22.1.
Variant type: single nucleotide variant.
Coding change: c.5763T>C on transcript NM_020921.4 (MANE Select); coding-DNA position 5763, T replaced by C.
Protein change: p.Pro1921=; no amino-acid change (proline 1921 retained).
Molecular consequence: synonymous variant.
Genome position (GRCh38, 1-based): chr14:50,738,152, A>G on the plus strand (T>C on the coding strand, the complement: NIN is on the minus strand). VCF-style: chr14-50738152-A-G. GRCh37 (hg19) VCF-style: chr14-51204870-A-G.
Other names: c.5763T>C (NM_020921.3); c.3624T>C, p.Pro1208= (NM_016350.5); c.5763T>C, p.Pro1921= (NM_182944.3, NM_182946.2).
Identifiers: ClinVar variation 2164945 (VCV002164945.6), dbSNP rs749603359, ClinGen allele CA7181169.

ClinVar aggregate classification (germline): Likely benign. Review status: criteria provided, single submitter (1 of 4 stars). 2 submissions from 2 submitters: Likely benign (1). 1 of the submissions does not count toward it. Last evaluated 2024-08-28.

Conditions:
NIN-related disorder. Also called: NIN-related condition.

Allele frequency attached by ClinVar (database versions not stated): ExAC 0.00002; gnomAD 0.00004; TOPMed 0.00005; gnomAD exomes 0.00013.
gnomAD v4.1: 190 of 1,613,964 alleles (0.012%); highest among the groups gnomAD compares: Non-Finnish European, 0.016%; no homozygotes.

Submissions (2):

Labcorp Genetics (formerly Invitae), Labcorp
Classification: Likely benign. Last evaluated: 2024-08-28. Review status: criteria provided, single submitter. Criteria: Invitae Variant Classification Sherloc (09022015). Collection method: clinical testing. Allele origin: germline.

PreventionGenetics, part of Exact Sciences
Classification: Likely benign for NIN-related condition. Last evaluated: 2019-06-14. Review status: no assertion criteria provided. Collection method: clinical testing. Allele origin: germline. Not counted in ClinVar's aggregate classification.
Comment: This variant is classified as likely benign based on ACMG/AMP sequence variant interpretation guidelines (Richards et al. 2015 PMID: 25741868, with internal and published modifications).